The following is an entry in ClinVar:

ClinVar aggregate classification (germline): Uncertain significance (1 of 4 stars; one submission).

Allele frequency attached by ClinVar (database versions not stated): gnomAD 0.00001; gnomAD exomes 0.00001; ExAC 0.00002; TOPMed 0.00002.
gnomAD v4.1: 11 of 1,590,294 alleles (0.00069%); highest among the groups gnomAD compares: Admixed American, 0.0054%; no homozygotes.

Submission:

Labcorp Genetics (formerly Invitae), Labcorp
Classification: Uncertain significance. Last evaluated: 2024-10-28. Review status: criteria provided, single submitter. Criteria: Invitae Variant Classification Sherloc (09022015). Collection method: clinical testing. Allele origin: germline.
Comment: This sequence change replaces threonine, which is neutral and polar, with isoleucine, which is neutral and non-polar, at codon 636 of the DOCK6 protein (p.Thr636Ile). This variant is not present in population databases (gnomAD no frequency). This variant has not been reported in the literature in individuals affected with DOCK6-related conditions. ClinVar contains an entry for this variant (Variation ID: 1947293). Invitae Evidence Modeling of protein sequence and biophysical properties (such as structural, functional, and spatial information, amino acid conservation, physicochemical variation, residue mobility, and thermodynamic stability) indicates that this missense variant is expected to disrupt DOCK6 protein function with a positive predictive value of 80%. In summary, the available evidence is currently insufficient to determine the role of this variant in disease. Therefore, it has been classified as a Variant of Uncertain Significance.

NM_020812.4(DOCK6):c.1907C>T (p.Thr636Ile)

Gene: DOCK6 (dedicator of cytokinesis 6; minus strand). Cytogenetic location: 19p13.2.
Variant type: single nucleotide variant.
Coding change: c.1907C>T on transcript NM_020812.4 (MANE Select); coding-DNA position 1907, C replaced by T.
Protein change: p.Thr636Ile; replaces threonine 636 with isoleucine.
Molecular consequence: missense variant.
Genome position (GRCh38, 1-based): chr19:11,237,705, G>A on the plus strand (C>T on the coding strand, the complement: DOCK6 is on the minus strand). VCF-style: chr19-11237705-G-A. GRCh37 (hg19) VCF-style: chr19-11348381-G-A.
Other names: c.1907C>T, p.Thr636Ile (NM_001367830.1); short protein forms T636I.
Identifiers: ClinVar variation 1947293 (VCV001947293.4), dbSNP rs201039216, ClinGen allele CA9207809.